The following is an entry in ClinVar:

ClinVar aggregate classification (germline): Pathogenic (1 of 4 stars; one submission).

Conditions:
Myofibrillar myopathy 6. Identifiers: Orphanet 199340, MedGen C2751831, MONDO:0013061, OMIM 612954.
Dilated cardiomyopathy 1HH (CMD1HH). Identifiers: Orphanet 154, MedGen C3151293, MONDO:0013479, OMIM 613881.

Submission:

Labcorp Genetics (formerly Invitae), Labcorp
Classification: Pathogenic for Dilated cardiomyopathy 1HH; Myofibrillar myopathy 6. Last evaluated: 2022-07-05. Review status: criteria provided, single submitter. Criteria: Invitae Variant Classification Sherloc (09022015). Collection method: clinical testing. Allele origin: germline.
Comment: This sequence change creates a premature translational stop signal (p.Ser14Argfs*198) in the BAG3 gene. It is expected to result in an absent or disrupted protein product. Loss-of-function variants in BAG3 are known to be pathogenic (PMID: 21353195, 25008357). For these reasons, this variant has been classified as Pathogenic. ClinVar contains an entry for this variant (Variation ID: 1452208). This variant has not been reported in the literature in individuals affected with BAG3-related conditions. This variant is not present in population databases (gnomAD no frequency).

Literature cited by the submitters: PubMed 21353195; PubMed 25008357.

NM_004281.4(BAG3):c.38_39dup (p.Ser14fs)

Gene: BAG3 (BAG cochaperone 3; plus strand). Cytogenetic location: 10q26.11.
Variant type: Duplication.
Coding change: c.38_39dup on transcript NM_004281.4 (MANE Select); coding-DNA positions 38 to 39, 2 bases duplicated (CG; older notation c.38_39dupCG).
Protein change: p.Ser14fs; shifts the reading frame from serine 14.
Molecular consequence: frameshift variant.
Genome position (GRCh38, 1-based): chr10:119,651,713-119,651,714, CG duplicated; duplicating any 2 consecutive bases within chr10:119,651,712-119,651,714 gives the same sequence; the c. name uses the placement nearest the transcript's 3' end. VCF-style (leftmost placement, unchanged base first): chr10-119651711-G-GGC. GRCh37 (hg19) VCF-style: chr10-121411223-G-GGC.
Other names: short protein forms S14fs.
Identifiers: ClinVar variation 1452208 (VCV001452208.6), dbSNP rs2134050486, ClinGen allele CA2573145580.